The following is an entry in ClinVar:

ClinVar aggregate classification (germline): Uncertain significance (1 of 4 stars; one submission).

Allele frequency attached by ClinVar (database versions not stated): ExAC 0.00001; TOPMed 0.00001.

Submission:

Labcorp Genetics (formerly Invitae), Labcorp
Classification: Uncertain significance. Last evaluated: 2023-09-03. Review status: criteria provided, single submitter. Criteria: Invitae Variant Classification Sherloc (09022015). Collection method: clinical testing. Allele origin: germline.
Comment: In summary, the available evidence is currently insufficient to determine the role of this variant in disease. Therefore, it has been classified as a Variant of Uncertain Significance. Algorithms developed to predict the effect of sequence changes on RNA splicing suggest that this variant may disrupt the consensus splice site. This variant has not been reported in the literature in individuals affected with CACNA2D4-related conditions. This variant is present in population databases (rs780674442, gnomAD 0.006%). This sequence change falls in intron 16 of the CACNA2D4 gene. It does not directly change the encoded amino acid sequence of the CACNA2D4 protein.

NM_172364.5(CACNA2D4):c.1720-18C>G

Gene: CACNA2D4 (calcium voltage-gated channel auxiliary subunit alpha2delta 4; minus strand). Cytogenetic location: 12p13.33.
Variant type: single nucleotide variant.
Coding change: c.1720-18C>G on transcript NM_172364.5 (MANE Select); 18 bases into the intron before coding-DNA position 1720, C replaced by G.
Molecular consequence: intron variant.
Genome position (GRCh38, 1-based): chr12:1,875,355, G>C on the plus strand (C>G on the coding strand, the complement: CACNA2D4 is on the minus strand). VCF-style: chr12-1875355-G-C. GRCh37 (hg19) VCF-style: chr12-1984521-G-C.
Identifiers: ClinVar variation 2990529 (VCV002990529.3), dbSNP rs780674442, ClinGen allele CA6387006.